The following is an entry in ClinVar:

NM_006623.4(PHGDH):c.792+6T>G

Gene: PHGDH (phosphoglycerate dehydrogenase; plus strand). Cytogenetic location: 1p12.
Variant type: single nucleotide variant.
Coding change: c.792+6T>G on transcript NM_006623.4 (MANE Select); 6 bases into the intron after coding-DNA position 792, T replaced by G.
Molecular consequence: intron variant.
Genome position (GRCh38, 1-based): chr1:119,735,449, T>G. VCF-style: chr1-119735449-T-G. GRCh37 (hg19) VCF-style: chr1-120278072-T-G.
Other names: p.?.
Identifiers: ClinVar variation 447938 (VCV000447938.56), dbSNP rs146953046, ClinGen allele CA1037246.

ClinVar aggregate classification (germline): Benign/Likely benign. Review status: criteria provided, multiple submitters, no conflicts (2 of 4 stars). 11 submissions from 10 submitters: Benign (7); Likely benign (3). 1 of the submissions does not count toward it. Last evaluated 2026-03-01.

Conditions:
PHGDH deficiency. Identifiers: Orphanet 79351, MedGen C1866174, MONDO:0011152, OMIM 601815.
Neu-Laxova syndrome 1 (NLS1). Identifiers: Orphanet 2671, Orphanet 583607, MedGen C4551478, MONDO:0009736, OMIM 256520. Disease mechanism: loss of function.

Allele frequency attached by ClinVar (database versions not stated): 1000 Genomes Project 0.00499; 1000 Genomes Project 30x 0.00515; TOPMed 0.01020; ExAC 0.01084; gnomAD 0.01087 and 0.01118; gnomAD exomes 0.01110 and 0.01240; ESP Exome Variant Server 0.01230.

Submissions 1 to 31 of 71:

CeGaT Center for Human Genetics Tuebingen
Classification: Benign. Last evaluated: 2026-03-01. Review status: criteria provided, single submitter. Criteria: CeGaT Center For Human Genetics Tuebingen Variant Classification Criteria Version 2. Collection method: clinical testing. Allele origin: germline. Affected: yes. Observed: 42 variant alleles.
Comment: PHGDH: BP4, BS1, BS2

Labcorp Genetics (formerly Invitae), Labcorp
Classification: Benign for PHGDH deficiency. Last evaluated: 2026-02-04. Review status: criteria provided, single submitter. Criteria: Invitae Variant Classification Sherloc (09022015). Collection method: clinical testing. Allele origin: germline.

Blueprint Genetics
Classification: Likely benign. Last evaluated: 2024-11-22. Review status: criteria provided, single submitter. Criteria: ACMG Guidelines, 2015. Collection method: clinical testing. Allele origin: germline.

Athena Diagnostics
Classification: Benign. Last evaluated: 2024-06-04. Review status: criteria provided, single submitter. Criteria: Athena Diagnostics Criteria. Collection method: clinical testing. Allele origin: unknown.

Genome-Nilou Lab
Classification: Benign for Neu-Laxova syndrome 1. Last evaluated: 2023-04-11. Review status: criteria provided, single submitter. Criteria: ACMG Guidelines, 2015. Collection method: clinical testing. Allele origin: germline. Affected: no.

Genome-Nilou Lab
Classification: Benign for PHGDH deficiency. Last evaluated: 2023-04-11. Review status: criteria provided, single submitter. Criteria: ACMG Guidelines, 2015. Collection method: clinical testing. Allele origin: germline. Affected: no.

GeneDx
Classification: Likely benign. Last evaluated: 2021-03-30. Review status: criteria provided, single submitter. Criteria: GeneDx Variant Classification Process June 2021. Collection method: clinical testing. Allele origin: germline. Affected: yes.
Comment: This variant is associated with the following publications: (PMID: 33087887)

Mayo Clinic Laboratories, Mayo Clinic
Classification: Benign. Last evaluated: 2019-06-04. Review status: criteria provided, single submitter. Criteria: ACMG Guidelines, 2015. Collection method: clinical testing. Allele origin: germline. Observed: 10 variant alleles.

Illumina Laboratory Services, Illumina
Classification: Benign for PHGDH deficiency. Last evaluated: 2018-01-12. Review status: criteria provided, single submitter. Criteria: ICSL Variant Classification Criteria 13 December 2019. Collection method: clinical testing. Allele origin: germline.
Comment: This variant was observed in the ICSL laboratory as part of a predisposition screen in an ostensibly healthy population. It had not been previously curated by ICSL or reported in the Human Gene Mutation Database (HGMD: prior to June 1st, 2018), and was therefore a candidate for classification through an automated scoring system. Utilizing variant allele frequency, disease prevalence and penetrance estimates, and inheritance mode, an automated score was calculated to assess if this variant is too frequent to cause the disease. Based on the score and internal cut-off values, a variant classified as benign is not then subjected to further curation. The score for this variant resulted in a classification of benign for this disease.

Breakthrough Genomics
Classification: Likely benign. Review status: criteria provided, single submitter. Criteria: ACMG Guidelines, 2015. Collection method: not provided. Allele origin: germline. Inheritance: Autosomal recessive inheritance. Affected: yes.

Natera, Inc.
Classification: Likely benign for Phosphoglycerate dehydrogenase deficiency. Last evaluated: 2019-11-28. Review status: no assertion criteria provided. Collection method: clinical testing. Allele origin: germline. Not counted in ClinVar's aggregate classification.

Dr. Peter K. Rogan Lab, Western University
No classification provided (evidence only). Condition: Lung cancer. Review status: no classification provided. Collection method: in vitro. Allele origin: not applicable. Functional consequence: retained intron. Not counted in ClinVar's aggregate classification.

Dr. Peter K. Rogan Lab, Western University
No classification provided (evidence only). Condition: Familial cancer of breast. Review status: no classification provided. Collection method: in vitro. Allele origin: not applicable. Functional consequence: skipped exon. Not counted in ClinVar's aggregate classification.

Dr. Peter K. Rogan Lab, Western University
No classification provided (evidence only). Condition: Uterine corpus endometrial carcinoma. Review status: no classification provided. Collection method: in vitro. Allele origin: not applicable. Functional consequence: skipped exon, retained intron. Not counted in ClinVar's aggregate classification.

Dr. Peter K. Rogan Lab, Western University
No classification provided (evidence only). Condition: Cervical cancer. Review status: no classification provided. Collection method: in vitro. Allele origin: not applicable. Functional consequence: skipped exon, retained intron. Not counted in ClinVar's aggregate classification.

Dr. Peter K. Rogan Lab, Western University
No classification provided (evidence only). Condition: Cervical cancer. Review status: no classification provided. Collection method: in vitro. Allele origin: not applicable. Functional consequence: skipped exon, retained intron. Not counted in ClinVar's aggregate classification.

Dr. Peter K. Rogan Lab, Western University
No classification provided (evidence only). Condition: Thymoma. Review status: no classification provided. Collection method: in vitro. Allele origin: not applicable. Functional consequence: skipped exon. Not counted in ClinVar's aggregate classification.

Dr. Peter K. Rogan Lab, Western University
No classification provided (evidence only). Condition: Cholangiocarcinoma. Review status: no classification provided. Collection method: in vitro. Allele origin: not applicable. Functional consequence: skipped exon, retained intron. Not counted in ClinVar's aggregate classification.

Dr. Peter K. Rogan Lab, Western University
No classification provided (evidence only). Condition: Cholangiocarcinoma. Review status: no classification provided. Collection method: in vitro. Allele origin: not applicable. Functional consequence: skipped exon, retained intron. Not counted in ClinVar's aggregate classification.

Dr. Peter K. Rogan Lab, Western University
No classification provided (evidence only). Condition: Ovarian serous cystadenocarcinoma. Review status: no classification provided. Collection method: in vitro. Allele origin: not applicable. Functional consequence: retained intron. Not counted in ClinVar's aggregate classification.

Dr. Peter K. Rogan Lab, Western University
No classification provided (evidence only). Condition: Ovarian serous cystadenocarcinoma. Review status: no classification provided. Collection method: in vitro. Allele origin: not applicable. Functional consequence: retained intron. Not counted in ClinVar's aggregate classification.

Dr. Peter K. Rogan Lab, Western University
No classification provided (evidence only). Condition: Uveal melanoma. Review status: no classification provided. Collection method: in vitro. Allele origin: not applicable. Functional consequence: skipped exon, retained intron. Not counted in ClinVar's aggregate classification.

Dr. Peter K. Rogan Lab, Western University
No classification provided (evidence only). Condition: Uveal melanoma. Review status: no classification provided. Collection method: in vitro. Allele origin: not applicable. Functional consequence: skipped exon, retained intron. Not counted in ClinVar's aggregate classification.

Dr. Peter K. Rogan Lab, Western University
No classification provided (evidence only). Condition: Malignant tumor of esophagus. Review status: no classification provided. Collection method: in vitro. Allele origin: not applicable. Functional consequence: skipped exon, retained intron. Not counted in ClinVar's aggregate classification.

Dr. Peter K. Rogan Lab, Western University
No classification provided (evidence only). Condition: Nonpapillary renal cell carcinoma. Review status: no classification provided. Collection method: in vitro. Allele origin: not applicable. Functional consequence: skipped exon. Not counted in ClinVar's aggregate classification.

Dr. Peter K. Rogan Lab, Western University
No classification provided (evidence only). Condition: Familial cancer of breast. Review status: no classification provided. Collection method: in vitro. Allele origin: not applicable. Functional consequence: skipped exon, retained intron. Not counted in ClinVar's aggregate classification.

Dr. Peter K. Rogan Lab, Western University
No classification provided (evidence only). Condition: Familial cancer of breast. Review status: no classification provided. Collection method: in vitro. Allele origin: not applicable. Functional consequence: skipped exon, retained intron. Not counted in ClinVar's aggregate classification.

Dr. Peter K. Rogan Lab, Western University
No classification provided (evidence only). Condition: Cervical cancer. Review status: no classification provided. Collection method: in vitro. Allele origin: not applicable. Functional consequence: skipped exon, retained intron. Not counted in ClinVar's aggregate classification.

Dr. Peter K. Rogan Lab, Western University
No classification provided (evidence only). Condition: Cervical cancer. Review status: no classification provided. Collection method: in vitro. Allele origin: not applicable. Functional consequence: skipped exon, retained intron. Not counted in ClinVar's aggregate classification.

Dr. Peter K. Rogan Lab, Western University
No classification provided (evidence only). Condition: Cervical cancer. Review status: no classification provided. Collection method: in vitro. Allele origin: not applicable. Functional consequence: skipped exon, retained intron. Not counted in ClinVar's aggregate classification.

Dr. Peter K. Rogan Lab, Western University
No classification provided (evidence only). Condition: Cervical cancer. Review status: no classification provided. Collection method: in vitro. Allele origin: not applicable. Functional consequence: skipped exon. Not counted in ClinVar's aggregate classification.